The following is an entry in ClinVar:

NM_019842.4(KCNQ5):c.1196C>T (p.Ala399Val)

Gene: KCNQ5 (potassium voltage-gated channel subfamily Q member 5; plus strand). Cytogenetic location: 6q13.
Variant type: single nucleotide variant.
Coding change: c.1196C>T on transcript NM_019842.4 (MANE Select); coding-DNA position 1196, C replaced by T.
Protein change: p.Ala399Val; replaces alanine 399 with valine.
Molecular consequence: missense variant.
Genome position (GRCh38, 1-based): chr6:73,120,553, C>T. VCF-style: chr6-73120553-C-T. GRCh37 (hg19) VCF-style: chr6-73830276-C-T.
Other names: c.1196C>T, p.Ala399Val (NM_001160130.2, NM_001160132.2, NM_001160133.2 and 1 more transcripts); short protein forms A399V.
Identifiers: ClinVar variation 1399549 (VCV001399549.6), dbSNP rs1328544114, ClinGen allele CA364827194.

ClinVar aggregate classification (germline): Uncertain significance (1 of 4 stars; one submission).

gnomAD v4.1: 2 of 1,611,402 alleles (0.00012%); highest among the groups gnomAD compares: Non-Finnish European, 0.00017%; no homozygotes.

Submission:

Labcorp Genetics (formerly Invitae), Labcorp
Classification: Uncertain significance. Last evaluated: 2024-02-05. Review status: criteria provided, single submitter. Criteria: Invitae Variant Classification Sherloc (09022015). Collection method: clinical testing. Allele origin: germline.
Comment: This sequence change replaces alanine, which is neutral and non-polar, with valine, which is neutral and non-polar, at codon 399 of the KCNQ5 protein (p.Ala399Val). This variant is not present in population databases (gnomAD no frequency). This variant has not been reported in the literature in individuals affected with KCNQ5-related conditions. ClinVar contains an entry for this variant (Variation ID: 1399549). Advanced modeling of protein sequence and biophysical properties (such as structural, functional, and spatial information, amino acid conservation, physicochemical variation, residue mobility, and thermodynamic stability) performed at Invitae indicates that this missense variant is not expected to disrupt KCNQ5 protein function with a negative predictive value of 80%. In summary, the available evidence is currently insufficient to determine the role of this variant in disease. Therefore, it has been classified as a Variant of Uncertain Significance.